The following is an entry in ClinVar:

NM_000812.4(GABRB1):c.20G>A (p.Arg7Gln)

Gene: GABRB1 (gamma-aminobutyric acid type A receptor subunit beta1; plus strand). Cytogenetic location: 4p12.
Variant type: single nucleotide variant.
Coding change: c.20G>A on transcript NM_000812.4 (MANE Select); coding-DNA position 20, G replaced by A.
Protein change: p.Arg7Gln; replaces arginine 7 with glutamine.
Molecular consequence: missense variant.
Genome position (GRCh38, 1-based): chr4:47,031,671, G>A. VCF-style: chr4-47031671-G-A. GRCh37 (hg19) VCF-style: chr4-47033688-G-A.
Other names: short protein forms R7Q.
Identifiers: ClinVar variation 3008022 (VCV003008022.3), dbSNP rs766399721, ClinGen allele CA2907379.

ClinVar aggregate classification (germline): Uncertain significance (1 of 4 stars; one submission).

Allele frequency attached by ClinVar (database versions not stated): gnomAD exomes 0.00001; ExAC 0.00002.
gnomAD v4.1: 4 of 1,613,652 alleles (0.00025%); highest among the groups gnomAD compares: Non-Finnish European, 0.00034%; no homozygotes.

Submission:

Labcorp Genetics (formerly Invitae), Labcorp
Classification: Uncertain significance. Last evaluated: 2022-10-30. Review status: criteria provided, single submitter. Criteria: Invitae Variant Classification Sherloc (09022015). Collection method: clinical testing. Allele origin: germline.
Comment: In summary, the available evidence is currently insufficient to determine the role of this variant in disease. Therefore, it has been classified as a Variant of Uncertain Significance. Algorithms developed to predict the effect of missense changes on protein structure and function are either unavailable or do not agree on the potential impact of this missense change (SIFT: "Deleterious"; PolyPhen-2: "Benign"; Align-GVGD: "Class C0"). This variant has not been reported in the literature in individuals affected with GABRB1-related conditions. This variant is present in population databases (rs766399721, gnomAD 0.003%). This sequence change replaces arginine, which is basic and polar, with glutamine, which is neutral and polar, at codon 7 of the GABRB1 protein (p.Arg7Gln).